The following is an entry in ClinVar:

NM_016239.4(MYO15A):c.4607G>A (p.Arg1536Gln)

Gene: MYO15A (myosin XVA; plus strand). Cytogenetic location: 17p11.2.
Variant type: single nucleotide variant.
Coding change: c.4607G>A on transcript NM_016239.4 (MANE Select); coding-DNA position 4607, G replaced by A.
Protein change: p.Arg1536Gln; replaces arginine 1536 with glutamine.
Molecular consequence: missense variant.
Genome position (GRCh38, 1-based): chr17:18,136,427, G>A. VCF-style: chr17-18136427-G-A. GRCh37 (hg19) VCF-style: chr17-18039741-G-A.
Other names: short protein forms R1536Q.
Identifiers: ClinVar variation 3161048 (VCV003161048.2), dbSNP rs201423655, ClinGen allele CA8423964.
Genomic context (GRCh38, chr17:18,136,427, plus strand): 5'-GAGGCAGAGTGGCCAGCCTGATGTCACTCAAGGGCTGTGCCCGTCCCTAGGAGACAATGC[G>A]AGAGAAGATCTTCACGCCCCTAACTGTGGAGAGCGCTGTGGATGCCAGGTGAGGCCACGC-3'
Protein context (NP_057323.3, residues 1526-1546): AITFKVTETM[Arg1536Gln]EKIFTPLTVE

ClinVar aggregate classification (germline): Uncertain significance. Review status: criteria provided, multiple submitters, no conflicts (2 of 4 stars). 2 submissions from 2 submitters: Uncertain significance (2). Last evaluated 2026-06-22.

Conditions:
Inborn genetic diseases. Identifiers: MedGen C0950123, MeSH D030342.
MYO15A-related disorder. Also called: MYO15A-related condition.

Submissions (2):

PreventionGenetics, part of Exact Sciences
Classification: Uncertain significance for MYO15A-related condition. Last evaluated: 2026-06-22. Review status: criteria provided, single submitter. Criteria: ACMG Guidelines, 2015. Collection method: clinical testing. Allele origin: germline.
Comment: The MYO15A c.4607G>A variant is predicted to result in the amino acid substitution p.Arg1536Gln. To our knowledge, this variant has not been reported in the literature. This variant is reported in 0.0098% of alleles in individuals of South Asian descent in gnomAD. At this time, the clinical significance of this variant is uncertain due to the absence of conclusive functional and genetic evidence.

Ambry Genetics
Classification: Uncertain significance for Inborn genetic diseases. Last evaluated: 2023-09-29. Review status: criteria provided, single submitter. Criteria: Ambry Variant Classification Scheme 2023. Collection method: clinical testing. Allele origin: germline.